The following is an entry in ClinVar:

NM_000426.4(LAMA2):c.2036C>A (p.Ala679Glu)

Gene: LAMA2 (laminin subunit alpha 2; plus strand). Cytogenetic location: 6q22.33.
Variant type: single nucleotide variant.
Coding change: c.2036C>A on transcript NM_000426.4 (MANE Select); coding-DNA position 2036, C replaced by A.
Protein change: p.Ala679Glu; replaces alanine 679 with glutamic acid.
Molecular consequence: missense variant.
Genome position (GRCh38, 1-based): chr6:129,252,235, C>A. VCF-style: chr6-129252235-C-A. GRCh37 (hg19) VCF-style: chr6-129573380-C-A.
Other names: c.2036C>A, p.Ala679Glu (NM_001079823.2); short protein forms A679E.
Identifiers: ClinVar variation 477447 (VCV000477447.6), dbSNP rs569768441, ClinGen allele CA3992802.
Genomic context (GRCh38, chr6:129,252,235, plus strand): 5'-CATTTACCATACATGGCACACATTTTCCAGTCCGTAGAAAGGAATTTATGACAGTGCTTG[C>A]GAATTTGAAGAGAGTCCTCCTACAAATCACATACAGCTTTGGGATGGATGCCATCTTCAG-3'
Protein context (NP_000417.3, residues 669-689): VRRKEFMTVL[Ala679Glu]NLKRVLLQIT

ClinVar aggregate classification (germline): Uncertain significance. Review status: criteria provided, multiple submitters, no conflicts (2 of 4 stars). 2 submissions from 2 submitters: Uncertain significance (2). Last evaluated 2025-01-09.

Conditions:
LAMA2-related muscular dystrophy (LAMA2-RD). Also called: Laminin alpha 2-related dystrophy. Identifiers: MedGen C5679788, MONDO:0100228.
Inborn genetic diseases. Identifiers: MedGen C0950123, MeSH D030342.

Allele frequency attached by ClinVar (database versions not stated): TOPMed 0.00001; ExAC 0.00002; 1000 Genomes Project 30x 0.00016; 1000 Genomes Project 0.00020.
gnomAD v4.1: 30 of 1,613,970 alleles (0.0019%); highest among the groups gnomAD compares: East Asian, 0.0089%; no homozygotes.

Submissions (2):

Ambry Genetics
Classification: Uncertain significance for Inborn genetic diseases. Last evaluated: 2025-01-09. Review status: criteria provided, single submitter. Criteria: Ambry Variant Classification Scheme 2023. Collection method: clinical testing. Allele origin: germline.

Labcorp Genetics (formerly Invitae), Labcorp
Classification: Uncertain significance for LAMA2-related muscular dystrophy. Last evaluated: 2022-08-23. Review status: criteria provided, single submitter. Criteria: Invitae Variant Classification Sherloc (09022015). Collection method: clinical testing. Allele origin: germline.
Comment: This sequence change replaces alanine, which is neutral and non-polar, with glutamic acid, which is acidic and polar, at codon 679 of the LAMA2 protein (p.Ala679Glu). This variant is present in population databases (rs569768441, gnomAD 0.006%). This variant has not been reported in the literature in individuals affected with LAMA2-related conditions. ClinVar contains an entry for this variant (Variation ID: 477447). Advanced modeling of protein sequence and biophysical properties (such as structural, functional, and spatial information, amino acid conservation, physicochemical variation, residue mobility, and thermodynamic stability) performed at Invitae indicates that this missense variant is not expected to disrupt LAMA2 protein function. In summary, the available evidence is currently insufficient to determine the role of this variant in disease. Therefore, it has been classified as a Variant of Uncertain Significance.